The following is an entry in ClinVar:

ClinVar aggregate classification (germline): Likely pathogenic. Review status: criteria provided, single submitter (1 of 4 stars). 2 submissions from 2 submitters: Likely pathogenic (1). 1 of the submissions does not count toward it. Last evaluated 2024-05-11.

Conditions:
Cataract-growth hormone deficiency-sensory neuropathy-sensorineural hearing loss-skeletal dysplasia syndrome. Also called: Cataracts, growth hormone deficiency, sensory neuropathy, sensorineural hearing loss, and skeletal dysplasia. Identifiers: Orphanet 436174, MedGen C4014942, MONDO:0014455, OMIM 616007.

Allele frequency attached by ClinVar (database versions not stated): gnomAD exomes 0.00002; ExAC 0.00003; gnomAD 0.00003 and 0.00004; TOPMed 0.00005; ESP Exome Variant Server 0.00008; 1000 Genomes Project 30x 0.00016; 1000 Genomes Project 0.00020.
gnomAD v4.1: 35 of 1,614,090 alleles (0.0022%); highest among the groups gnomAD compares: African/African-American, 0.0093%; no homozygotes.

Submissions (2):

GeneDx
Classification: Likely pathogenic. Last evaluated: 2024-05-11. Review status: criteria provided, single submitter. Criteria: GeneDx Variant Classification Process June 2021. Collection method: clinical testing. Allele origin: germline. Affected: yes.
Comment: Not observed at a significant frequency in large population cohorts (gnomAD); In silico analysis supports that this missense variant has a deleterious effect on protein structure/function; This variant is associated with the following publications: (PMID: 28328135, 29620724, 35228874)

OMIM
Classification: Pathogenic for CATARACTS, GROWTH HORMONE DEFICIENCY, SENSORY NEUROPATHY, SENSORINEURAL HEARING LOSS, AND SKELETAL DYSPLASIA. Last evaluated: 2019-07-31. Review status: no assertion criteria provided. Collection method: literature only. Allele origin: germline. Not counted in ClinVar's aggregate classification.

Literature cited by the submitters: PubMed 28328135 (cited by OMIM).

NM_018060.4(IARS2):c.2620G>A (p.Gly874Arg)

Gene: IARS2 (isoleucyl-tRNA synthetase 2, mitochondrial; plus strand). Cytogenetic location: 1q41.
Variant type: single nucleotide variant.
Coding change: c.2620G>A on transcript NM_018060.4 (MANE Select); coding-DNA position 2620, G replaced by A.
Protein change: p.Gly874Arg; replaces glycine 874 with arginine.
Molecular consequence: missense variant.
Genome position (GRCh38, 1-based): chr1:220,143,003, G>A. VCF-style: chr1-220143003-G-A. GRCh37 (hg19) VCF-style: chr1-220316345-G-A.
Other names: short protein forms G874R.
Identifiers: ClinVar variation 638568 (VCV000638568.2), dbSNP rs151241066, ClinGen allele CA1401822.